The following is an entry in ClinVar:

ClinVar aggregate classification (germline): Conflicting classifications of pathogenicity. Review status: criteria provided, conflicting classifications (1 of 4 stars). 6 submissions from 6 submitters: Pathogenic (1); Uncertain significance (3). 2 of the submissions do not count toward it. Last evaluated 2024-12-09.

Conditions:
Thrombocytopenia. Identifiers: MedGen C0040034, MeSH D013921, MONDO:0002049, HP:0001873.
Abnormal bleeding. Also called: Bleeding diathesis. Identifiers: MedGen C1458140, HP:0001892.
Platelet-type bleeding disorder 11 (BDPLT11). Also called: GLYCOPROTEIN VI DEFICIENCY; GP VI DEFICIENCY. Identifiers: Orphanet 73271, Orphanet 98885, MedGen C3280120, MONDO:0013623, OMIM 614201.

Allele frequency attached by ClinVar (database versions not stated): 1000 Genomes Project 0.00040; 1000 Genomes Project 30x 0.00047; TOPMed 0.00053; ESP Exome Variant Server 0.00074; gnomAD exomes 0.00077 and 0.00117; gnomAD 0.00123 and 0.00125; ExAC 0.00130.
gnomAD v4.1: 1,315 of 1,614,144 alleles (0.081%); highest among the groups gnomAD compares: Non-Finnish European, 0.079%; 7 homozygotes.

Submissions (6):

Labcorp Genetics (formerly Invitae), Labcorp
Classification: Uncertain significance. Last evaluated: 2024-12-09. Review status: criteria provided, single submitter. Criteria: Invitae Variant Classification Sherloc (09022015). Collection method: clinical testing. Allele origin: germline.
Comment: This sequence change replaces arginine, which is basic and polar, with cysteine, which is neutral and slightly polar, at codon 58 of the GP6 protein (p.Arg58Cys). This variant is present in population databases (rs199588110, gnomAD 0.4%), and has an allele count higher than expected for a pathogenic variant. This missense change has been observed in individual(s) with glycoprotein VI deficiency (PMID: 19549989). In at least one individual the data is consistent with being in trans (on the opposite chromosome) from a pathogenic variant. This variant is also known as p.R38C. ClinVar contains an entry for this variant (Variation ID: 916452). An algorithm developed to predict the effect of missense changes on protein structure and function (PolyPhen-2) suggests that this variant is likely to be disruptive. In summary, the available evidence is currently insufficient to determine the role of this variant in disease. Therefore, it has been classified as a Variant of Uncertain Significance.

Women's Health and Genetics/Laboratory Corporation of America, LabCorp
Classification: Uncertain significance. Last evaluated: 2024-06-26. Review status: criteria provided, single submitter. Criteria: LabCorp Variant Classification Summary - May 2015. Collection method: clinical testing. Allele origin: germline.
Comment: Variant summary: GP6 c.172C>T (p.Arg58Cys) results in a non-conservative amino acid change located in the Immunoglobulin subtype 2 domain (IPR003598) of the encoded protein sequence. Four of five in-silico tools predict a damaging effect of the variant on protein function. The variant allele was found at a frequency of 0.0012 in 249370 control chromosomes (gnomAD). This frequency is not significantly higher than estimated for a pathogenic variant in GP6 causing Platelet-Type Bleeding Disorder 11, allowing no conclusion about variant significance. c.172C>T has been reported in the literature in individuals affected with Inherited bleeding disorders, venous thromboembolism, ischemic stroke, and ecchymoses (examples: Almazni_2020, Manderstedt_2019, Janicki_2017 and Dumont_2009). These reports do not provide unequivocal conclusions about association of the variant with Platelet-Type Bleeding Disorder 11. At least one publication reports experimental evidence evaluating an impact on protein function, suggesting that this variant leads to abnormal protein function in an in-vitro assay (Dumont_2009). The following publications have been ascertained in the context of this evaluation (PMID: 29232918, 32935436, 19549989, 31352677). ClinVar contains an entry for this variant (Variation ID: 916452). Based on the evidence outlined above, the variant was classified as uncertain significance.

GeneDx
Classification: Uncertain significance. Last evaluated: 2022-01-21. Review status: criteria provided, single submitter. Criteria: GeneDx Variant Classification Process June 2021. Collection method: clinical testing. Allele origin: germline. Affected: yes.
Comment: Identified in an individual with ecchymoses and prolonged bleeding time but it is unknown whether this individual was screened for variants in other genes (Dumont et al., 2009); Published functional studies demonstrate a damaging effect (Dumont et al., 2009); In silico analysis supports that this missense variant has a deleterious effect on protein structure/function; This variant is associated with the following publications: (PMID: 19549989, 32935436, 34426522)

CeGaT Center for Human Genetics Tuebingen
Classification: Pathogenic. Last evaluated: 2020-02-01. Review status: criteria provided, single submitter. Criteria: CeGaT Center For Human Genetics Tuebingen Variant Classification Criteria Version 2. Collection method: clinical testing. Allele origin: germline. Affected: yes. Observed: 1 variant allele.

Birmingham Platelet Group; University of Birmingham
Classification: Uncertain significance for Thrombocytopenia; Abnormal bleeding. Last evaluated: 2020-05-01. Review status: no assertion criteria provided. Collection method: research. Allele origin: germline. Affected: yes. Not counted in ClinVar's aggregate classification.

OMIM
Classification: Pathogenic for BLEEDING DISORDER, PLATELET-TYPE, 11. Last evaluated: 2009-08-27. Review status: no assertion criteria provided. Collection method: literature only. Allele origin: germline. Not counted in ClinVar's aggregate classification.

Literature cited by the submitters: PubMed 19549989 (cited by 3 submitters); PubMed 29232918 (cited by Women's Health and Genetics/Laboratory Corporation of America, LabCorp); PubMed 32935436 (cited by Women's Health and Genetics/Laboratory Corporation of America, LabCorp); PubMed 31352677 (cited by Women's Health and Genetics/Laboratory Corporation of America, LabCorp).

NM_016363.5(GP6):c.172C>T (p.Arg58Cys)

Gene: GP6 (glycoprotein VI platelet; minus strand). Cytogenetic location: 19q13.42.
Variant type: single nucleotide variant.
Coding change: c.172C>T on transcript NM_016363.5 (MANE Select); coding-DNA position 172, C replaced by T.
Protein change: p.Arg58Cys; replaces arginine 58 with cysteine.
Molecular consequence: missense variant.
Genome position (GRCh38, 1-based): chr19:55,032,292, G>A on the plus strand (C>T on the coding strand, the complement: GP6 is on the minus strand). VCF-style: chr19-55032292-G-A. GRCh37 (hg19) VCF-style: chr19-55543660-G-A.
Other names: R38C; c.172C>T, p.Arg58Cys (NM_001083899.2, NM_001256017.2); short protein forms R58C.
Identifiers: ClinVar variation 916452 (VCV000916452.50), dbSNP rs199588110, ClinGen allele CA310134382.